The following is an entry in ClinVar:

ClinVar aggregate classification (germline): Uncertain significance. Review status: criteria provided, multiple submitters, no conflicts (2 of 4 stars). 2 submissions from 2 submitters: Uncertain significance (2). Last evaluated 2025-01-27.

Conditions:
Inborn genetic diseases. Identifiers: MedGen C0950123, MeSH D030342.

Allele frequency attached by ClinVar (database versions not stated): gnomAD 0.00010 and 0.00011; gnomAD exomes 0.00013; ExAC 0.00014; ESP Exome Variant Server 0.00015.
gnomAD v4.1: 281 of 1,614,114 alleles (0.017%); highest among the groups gnomAD compares: African/African-American, 0.024%; no homozygotes.

Submissions (2):

Labcorp Genetics (formerly Invitae), Labcorp
Classification: Uncertain significance. Last evaluated: 2025-01-27. Review status: criteria provided, single submitter. Criteria: Invitae Variant Classification Sherloc (09022015). Collection method: clinical testing. Allele origin: germline.
Comment: This sequence change replaces threonine, which is neutral and polar, with methionine, which is neutral and non-polar, at codon 513 of the DIP2C protein (p.Thr513Met). This variant is present in population databases (rs201413669, gnomAD 0.02%). This variant has not been reported in the literature in individuals affected with DIP2C-related conditions. ClinVar contains an entry for this variant (Variation ID: 1421272). An algorithm developed to predict the effect of missense changes on protein structure and function (PolyPhen-2) suggests that this variant is likely to be disruptive. In summary, the available evidence is currently insufficient to determine the role of this variant in disease. Therefore, it has been classified as a Variant of Uncertain Significance.

Ambry Genetics
Classification: Uncertain significance for Inborn genetic diseases. Last evaluated: 2022-12-06. Review status: criteria provided, single submitter. Criteria: Ambry Variant Classification Scheme 2023. Collection method: clinical testing. Allele origin: germline.

NM_014974.3(DIP2C):c.1538C>T (p.Thr513Met)

Gene: DIP2C (DIP2 acetate--CoA ligase C (putative); minus strand). Cytogenetic location: 10p15.3.
Variant type: single nucleotide variant.
Coding change: c.1538C>T on transcript NM_014974.3 (MANE Select); coding-DNA position 1538, C replaced by T.
Protein change: p.Thr513Met; replaces threonine 513 with methionine.
Molecular consequence: missense variant.
Genome position (GRCh38, 1-based): chr10:390,050, G>A on the plus strand (C>T on the coding strand, the complement: DIP2C is on the minus strand). VCF-style: chr10-390050-G-A. GRCh37 (hg19) VCF-style: chr10-435990-G-A.
Other names: c.1538C>T (NM_014974.2); short protein forms T513M.
Identifiers: ClinVar variation 1421272 (VCV001421272.9), dbSNP rs201413669, ClinGen allele CA5380878.